The following is an entry in ClinVar:

ClinVar aggregate classification (germline): Uncertain significance (1 of 4 stars; one submission).

gnomAD v4.1: 4 of 1,608,294 alleles (0.00025%); highest among the groups gnomAD compares: East Asian, 0.0022%; no homozygotes.

Submission:

GeneDx
Classification: Uncertain significance. Last evaluated: 2025-08-10. Review status: criteria provided, single submitter. Criteria: GeneDx Variant Classification Process June 2021. Collection method: clinical testing. Allele origin: germline. Affected: yes.
Comment: Not observed at significant frequency in large population cohorts (gnomAD); In silico analysis supports that this missense variant has a deleterious effect on protein structure/function; Has not been previously published as pathogenic or benign to our knowledge

NM_016366.3(CABP2):c.500A>G (p.Asn167Ser)

Gene: CABP2 (calcium binding protein 2; minus strand). Cytogenetic location: 11q13.2.
Variant type: single nucleotide variant.
Coding change: c.500A>G on transcript NM_016366.3 (MANE Select); coding-DNA position 500, A replaced by G.
Protein change: p.Asn167Ser; replaces asparagine 167 with serine.
Molecular consequence: missense variant.
Genome position (GRCh38, 1-based): chr11:67,519,930, T>C on the plus strand (A>G on the coding strand, the complement: CABP2 is on the minus strand). VCF-style: chr11-67519930-T-C. GRCh37 (hg19) VCF-style: chr11-67287401-T-C.
Other names: c.518A>G, p.Asn173Ser (NM_001318496.2); short protein forms N167S, N173S.
Identifiers: ClinVar variation 4795526 (VCV004795526.1).